The following is an entry in ClinVar:

ClinVar aggregate classification (germline): Uncertain significance (1 of 4 stars; one submission).

Conditions:
Temtamy preaxial brachydactyly syndrome (TPBS). Identifiers: Orphanet 363417, MedGen C1854466, MONDO:0011533, OMIM 605282.

Submission:

Labcorp Genetics (formerly Invitae), Labcorp
Classification: Uncertain significance for Temtamy preaxial brachydactyly syndrome. Last evaluated: 2022-02-11. Review status: criteria provided, single submitter. Criteria: Invitae Variant Classification Sherloc (09022015). Collection method: clinical testing. Allele origin: germline.
Comment: This sequence change replaces leucine, which is neutral and non-polar, with valine, which is neutral and non-polar, at codon 243 of the CHSY1 protein (p.Leu243Val). This variant is not present in population databases (gnomAD no frequency). This variant has not been reported in the literature in individuals affected with CHSY1-related conditions. Algorithms developed to predict the effect of missense changes on protein structure and function (SIFT, PolyPhen-2, Align-GVGD) all suggest that this variant is likely to be disruptive. In summary, the available evidence is currently insufficient to determine the role of this variant in disease. Therefore, it has been classified as a Variant of Uncertain Significance.

NM_014918.5(CHSY1):c.727C>G (p.Leu243Val)

Gene: CHSY1 (chondroitin sulfate synthase 1; minus strand). Cytogenetic location: 15q26.3.
Variant type: single nucleotide variant.
Coding change: c.727C>G on transcript NM_014918.5 (MANE Select); coding-DNA position 727, C replaced by G.
Protein change: p.Leu243Val; replaces leucine 243 with valine.
Molecular consequence: missense variant.
Genome position (GRCh38, 1-based): chr15:101,235,171, G>C on the plus strand (C>G on the coding strand, the complement: CHSY1 is on the minus strand). VCF-style: chr15-101235171-G-C. GRCh37 (hg19) VCF-style: chr15-101775376-G-C.
Other names: short protein forms L243V.
Identifiers: ClinVar variation 2094883 (VCV002094883.4), dbSNP rs2505398775, ClinGen allele CA393967447.